The following is an entry in ClinVar:

NM_001142800.2(EYS):c.8480CTT[1] (p.Ser2828del)

Genes: EYS (EGF-like photoreceptor maintenance factor; minus strand), PHF3 (PHD finger protein 3; plus strand). Cytogenetic location: 6q12.
Variant type: Microsatellite.
Coding change: c.8480CTT[1] on transcript NM_001142800.2 (MANE Select); one copy of the 3-base unit CTT starting at c.8480; the reference has two copies in a row; one copy, 3 bases deleted.
Protein change: p.Ser2828del; deletes serine 2828.
Molecular consequence: inframe deletion. On other transcripts: 3 prime UTR variant (5).
Genome position (GRCh38, 1-based): chr6:63,721,546-63,721,548, AAG deleted on the plus strand (CTT on the coding strand, the reverse complement: EYS is on the minus strand); deleting any 3 consecutive bases within chr6:63,721,546-63,721,552 gives the same sequence; the position shown is the placement nearest the transcript's 3' end. VCF-style (leftmost placement, unchanged base first): chr6-63721545-AAAG-A. GRCh37 (hg19) VCF-style: chr6-64431441-AAAG-A.
Other names: c.*7839AGA[1] (NM_001290259.2, NM_001370348.2, NM_001370349.2 and 2 more transcripts); c.8543CTT[1], p.Ser2849del (NM_001292009.2); short protein forms S2828del, S2849del.
Identifiers: ClinVar variation 834264 (VCV000834264.9), dbSNP rs1768391034, ClinGen allele CA916082857.

ClinVar aggregate classification (germline): Uncertain significance (1 of 4 stars; one submission).

Submission:

Labcorp Genetics (formerly Invitae), Labcorp
Classification: Uncertain significance. Last evaluated: 2020-06-07. Review status: criteria provided, single submitter. Criteria: Invitae Variant Classification Sherloc (09022015). Collection method: clinical testing. Allele origin: germline.
Comment: This variant, c.8483_8485del, results in the deletion of 1 amino acid(s) of the EYS protein (p.Ser2828del), but otherwise preserves the integrity of the reading frame. This variant is not present in population databases (ExAC no frequency). This variant has not been reported in the literature in individuals with EYS-related conditions. ClinVar contains an entry for this variant (Variation ID: 834264). Experimental studies and prediction algorithms are not available or were not evaluated, and the functional significance of this variant is currently unknown. In summary, the available evidence is currently insufficient to determine the role of this variant in disease. Therefore, it has been classified as a Variant of Uncertain Significance.